The following is an entry in ClinVar:

NM_194248.3(OTOF):c.5013G>A (p.Trp1671Ter)

Gene: OTOF (otoferlin; minus strand). Cytogenetic location: 2p23.3.
Variant type: single nucleotide variant.
Coding change: c.5013G>A on transcript NM_194248.3 (MANE Select); coding-DNA position 5013, G replaced by A.
Protein change: p.Trp1671Ter; replaces tryptophan 1671 with a stop codon.
Molecular consequence: nonsense.
Genome position (GRCh38, 1-based): chr2:26,464,054, C>T on the plus strand (G>A on the coding strand, the complement: OTOF is on the minus strand). VCF-style: chr2-26464054-C-T. GRCh37 (hg19) VCF-style: chr2-26686922-C-T.
Other names: c.5013G>A, p.Trp1671Ter (NM_001287489.2); c.2712G>A, p.Trp904Ter (NM_004802.4, NM_194323.3); c.2943G>A, p.Trp981Ter (NM_194322.3); short protein forms W904*, W1671*, W981*.
Identifiers: ClinVar variation 2777898 (VCV002777898.3), dbSNP rs1461208460, ClinGen allele CA346134078.
Genomic context (GRCh38, chr2:26,464,054, plus strand): 5'-CAGCGGCCTCGTCTCCACATGCTCTGGCACCAGGCGGCAGCCTGCGCGGGGGATGTCCTC[C>T]CAGTGCCTCAGGGCCAACAGCGCCACATGCTCGTCTGTGGGCTTCCTCTGACCTGTGGGT-3'

ClinVar aggregate classification (germline): Pathogenic (1 of 4 stars; one submission).

Allele frequency attached by ClinVar (database versions not stated): TOPMed below 0.00001; gnomAD 0.00001; gnomAD exomes 0.00001.
gnomAD v4.1: 24 of 1,613,620 alleles (0.0015%); highest among the groups gnomAD compares: Non-Finnish European, 0.0018%; no homozygotes.

Submission:

Labcorp Genetics (formerly Invitae), Labcorp
Classification: Pathogenic. Last evaluated: 2023-10-19. Review status: criteria provided, single submitter. Criteria: Invitae Variant Classification Sherloc (09022015). Collection method: clinical testing. Allele origin: germline.
Comment: This sequence change creates a premature translational stop signal (p.Trp1671*) in the OTOF gene. It is expected to result in an absent or disrupted protein product. Loss-of-function variants in OTOF are known to be pathogenic (PMID: 18381613, 19250381, 22575033). This variant is not present in population databases (gnomAD no frequency). This variant has not been reported in the literature in individuals affected with OTOF-related conditions. Algorithms developed to predict the effect of sequence changes on RNA splicing suggest that this variant may disrupt the consensus splice site. For these reasons, this variant has been classified as Pathogenic.

Literature cited by the submitters: PubMed 18381613; PubMed 19250381; PubMed 22575033.